The following is an entry in ClinVar:

NM_004239.4(TRIP11):c.2123dup (p.Asn708fs)

Gene: TRIP11 (thyroid hormone receptor interactor 11; minus strand). Cytogenetic location: 14q32.12.
Variant type: Duplication.
Coding change: c.2123dup on transcript NM_004239.4 (MANE Select); coding-DNA position 2123, one base duplicated (A; older notation c.2123dupA).
Protein change: p.Asn708fs; shifts the reading frame from asparagine 708.
Molecular consequence: frameshift variant.
Genome position (GRCh38, 1-based): chr14:92,005,853, T duplicated on the plus strand (A on the coding strand, the reverse complement: TRIP11 is on the minus strand); the first of 7 consecutive T bases (chr14:92,005,853-92,005,859); duplicating any one gives the same sequence. VCF-style (leftmost placement, unchanged base first): chr14-92005852-G-GT. GRCh37 (hg19) VCF-style: chr14-92472196-G-GT.
Other names: c.2120dup, p.Asn707fs (NM_001321851.1); short protein forms N708fs, N707fs.
Identifiers: ClinVar variation 1351407 (VCV001351407.7), dbSNP rs747106242, ClinGen allele CA7313830.

ClinVar aggregate classification (germline): Pathogenic/Likely pathogenic. Review status: criteria provided, multiple submitters, no conflicts (2 of 4 stars). 2 submissions from 2 submitters: Pathogenic (1); Likely pathogenic (1). Last evaluated 2022-11-15.

Conditions:
Achondrogenesis, type IA (ACG1A). Identifiers: Orphanet 932, Orphanet 93299, MedGen C0265273, MONDO:0008701, OMIM 200600.
TRIP11-related disorder. Also called: TRIP11-related condition; TRIP11-Related Disorders.

Submissions (2):

Labcorp Genetics (formerly Invitae), Labcorp
Classification: Pathogenic for Achondrogenesis, type IA. Last evaluated: 2022-11-15. Review status: criteria provided, single submitter. Criteria: Invitae Variant Classification Sherloc (09022015). Collection method: clinical testing. Allele origin: germline.
Comment: This sequence change creates a premature translational stop signal (p.Asn708Lysfs*22) in the TRIP11 gene. It is expected to result in an absent or disrupted protein product. Loss-of-function variants in TRIP11 are known to be pathogenic (PMID: 20089971, 23956106). This variant is present in population databases (rs780309004, gnomAD 0.004%). This variant has not been reported in the literature in individuals affected with TRIP11-related conditions. ClinVar contains an entry for this variant (Variation ID: 1351407). For these reasons, this variant has been classified as Pathogenic.

Blueprint Genetics
Classification: Likely pathogenic for TRIP11-related disorders. Last evaluated: 2022-01-10. Review status: criteria provided, single submitter. Criteria: ACMG Guidelines, 2015. Collection method: clinical testing. Allele origin: germline. Affected: yes. Observed: 2 variant alleles.

Literature cited by the submitters: PubMed 20089971 (cited by Labcorp Genetics (formerly Invitae), Labcorp); PubMed 23956106 (cited by Labcorp Genetics (formerly Invitae), Labcorp).